The following is an entry in ClinVar:

ClinVar aggregate classification (germline): Uncertain significance (1 of 4 stars; one submission).

Conditions:
Early-infantile DEE. Also called: Ohtahara syndrome; Early infantile epileptic encephalopathy with suppression bursts; Early infantile epileptic encephalopathy. Identifiers: Orphanet 1934, MedGen C0393706, MONDO:0800491.

Submission:

Labcorp Genetics (formerly Invitae), Labcorp
Classification: Uncertain significance for Early-infantile DEE. Last evaluated: 2020-01-17. Review status: criteria provided, single submitter. Criteria: Invitae Variant Classification Sherloc (09022015). Collection method: clinical testing. Allele origin: germline.
Comment: Algorithms developed to predict the effect of missense changes on protein structure and function are either unavailable or do not agree on the potential impact of this missense change (SIFT: "Tolerated"; PolyPhen-2: "Possibly Damaging"; Align-GVGD: "Class C0"). This sequence change replaces aspartic acid with tyrosine at codon 1052 of the SCN1A protein (p.Asp1052Tyr). The aspartic acid residue is highly conserved and there is a large physicochemical difference between aspartic acid and tyrosine. This variant is not present in population databases (ExAC no frequency). This variant has not been reported in the literature in individuals with SCN1A-related conditions. In summary, the available evidence is currently insufficient to determine the role of this variant in disease. Therefore, it has been classified as a Variant of Uncertain Significance.

NM_001165963.4(SCN1A):c.3154G>T (p.Asp1052Tyr)

Genes: SCN1A (sodium voltage-gated channel alpha subunit 1; minus strand), LOC102724058 (uncharacterized LOC102724058; plus strand). Cytogenetic location: 2q24.3.
Variant type: single nucleotide variant.
Coding change: c.3154G>T on transcript NM_001165963.4 (MANE Select); coding-DNA position 3154, G replaced by T.
Protein change: p.Asp1052Tyr; replaces aspartic acid 1052 with tyrosine.
Molecular consequence: missense variant. On other transcripts: non-coding transcript variant (2).
Genome position (GRCh38, 1-based): chr2:166,036,323, C>A on the plus strand (G>T on the coding strand, the complement: SCN1A is on the minus strand). VCF-style: chr2-166036323-C-A. GRCh37 (hg19) VCF-style: chr2-166892833-C-A.
Other names: c.3070G>T, p.Asp1024Tyr (NM_001165964.3, NM_001353957.2, NM_001353958.2); c.3154G>T, p.Asp1052Tyr (NM_001202435.3, NM_001353948.2); c.3121G>T, p.Asp1041Tyr (NM_001353949.2, NM_001353950.2, NM_001353951.2 and 2 more transcripts); c.3118G>T, p.Asp1040Tyr (NM_001353954.2, NM_001353955.2); c.3067G>T, p.Asp1023Tyr (NM_001353960.2); c.712G>T, p.Asp238Tyr (NM_001353961.2); short protein forms D1023Y, D1024Y, D1040Y, D1041Y, D1052Y, D238Y.
Identifiers: ClinVar variation 1014796 (VCV001014796.10), dbSNP rs1696363649, ClinGen allele CA349059765.